The following is an entry in ClinVar:

ClinVar aggregate classification (germline): Conflicting classifications of pathogenicity. Review status: criteria provided, conflicting classifications (1 of 4 stars). 6 submissions from 6 submitters: Uncertain significance (2); Likely benign (3). 1 of the submissions does not count toward it. Last evaluated 2026-01-26.

Conditions:
Primary ciliary dyskinesia 9. Also called: CILIARY DYSKINESIA, PRIMARY, 9, WITH OR WITHOUT SITUS INVERSUS. Identifiers: Orphanet 244, MedGen C2676235, MONDO:0012906, OMIM 612444.
Primary ciliary dyskinesia. Also called: Ciliary dyskinesia. Identifiers: Orphanet 244, MedGen C0008780, MONDO:0016575, HP:0012265.

Allele frequency attached by ClinVar (database versions not stated): gnomAD exomes 0.00026 and 0.00058; ExAC 0.00073; 1000 Genomes Project 30x 0.00187; gnomAD 0.00192 and 0.00205; 1000 Genomes Project 0.00200; TOPMed 0.00240; ESP Exome Variant Server 0.00292.
gnomAD v4.1: 690 of 1,613,874 alleles (0.043%); highest among the groups gnomAD compares: African/African-American, 0.69%; 1 homozygote.

Submissions (7):

Labcorp Genetics (formerly Invitae), Labcorp
Classification: Likely benign for Primary ciliary dyskinesia. Last evaluated: 2026-01-26. Review status: criteria provided, single submitter. Criteria: Invitae Variant Classification Sherloc (09022015). Collection method: clinical testing. Allele origin: germline.

GeneDx
Classification: Uncertain significance. Last evaluated: 2026-01-13. Review status: criteria provided, single submitter. Criteria: GeneDx Variant Classification Process June 2021. Collection method: clinical testing. Allele origin: germline.
Comment: Reported without a second variant in a proband with primary ciliary dyskinesia in published literature (PMID: 37892347); In silico analysis supports that this missense variant has a deleterious effect on protein structure/function; This variant is associated with the following publications: (PMID: 37892347)

Ambry Genetics
Classification: Likely benign for Primary ciliary dyskinesia. Last evaluated: 2018-03-08. Review status: criteria provided, single submitter. Criteria: Ambry Variant Classification Scheme 2023. Collection method: clinical testing. Allele origin: germline.

Illumina Laboratory Services, Illumina
Classification: Uncertain significance for Primary ciliary dyskinesia 9. Last evaluated: 2018-01-12. Review status: criteria provided, single submitter. Criteria: ICSL Variant Classification Criteria 13 December 2019. Collection method: clinical testing. Allele origin: germline.

Eurofins Ntd Llc (ga)
Classification: Likely benign. Last evaluated: 2015-03-05. Review status: criteria provided, single submitter. Criteria: EGL Classification Definitions 2015. Collection method: clinical testing. Allele origin: germline. Observed: 1 variant allele, 1 heterozygote.

Natera, Inc.
Classification: Benign for Primary ciliary dyskinesia. Last evaluated: 2019-11-11. Review status: no assertion criteria provided. Collection method: clinical testing. Allele origin: germline. Not counted in ClinVar's aggregate classification.

Dr. Peter K. Rogan Lab, Western University
No classification provided (evidence only). Condition: Thyroid cancer, nonmedullary, 1. Review status: no classification provided. Collection method: in vitro. Allele origin: not applicable. Functional consequence: retained intron. Not counted in ClinVar's aggregate classification.

NM_023036.6(DNAI2):c.1408G>A (p.Gly470Ser)

Gene: DNAI2 (dynein axonemal intermediate chain 2; plus strand). Cytogenetic location: 17q25.1.
Variant type: single nucleotide variant.
Coding change: c.1408G>A on transcript NM_023036.6 (MANE Select); coding-DNA position 1408, G replaced by A.
Protein change: p.Gly470Ser; replaces glycine 470 with serine.
Molecular consequence: missense variant. On other transcripts: non-coding transcript variant (1).
Genome position (GRCh38, 1-based): chr17:74,310,077, G>A. VCF-style: chr17-74310077-G-A. GRCh37 (hg19) VCF-style: chr17-72306216-G-A.
Other names: c.1372G>A, p.Gly458Ser (NM_001172810.3); c.1408G>A, p.Gly470Ser (NM_001353167.2); short protein forms G470S, G458S.
Identifiers: ClinVar variation 193927 (VCV000193927.26), dbSNP rs115299472, ClinGen allele CA200855.